The following is an entry in ClinVar:

NM_001378120.1(MBD5):c.5149C>T (p.Pro1717Ser)

Gene: MBD5 (methyl-CpG binding domain protein 5; plus strand). Cytogenetic location: 2q23.1.
Variant type: single nucleotide variant.
Coding change: c.5149C>T on transcript NM_001378120.1 (MANE Select); coding-DNA position 5149, C replaced by T.
Protein change: p.Pro1717Ser; replaces proline 1717 with serine.
Molecular consequence: missense variant.
Genome position (GRCh38, 1-based): chr2:148,512,906, C>T. VCF-style: chr2-148512906-C-T. GRCh37 (hg19) VCF-style: chr2-149270475-C-T.
Other names: c.4450C>T, p.Pro1484Ser (NM_018328.5); short protein forms P1484S, P1717S.
Identifiers: ClinVar variation 2882226 (VCV002882226.3), dbSNP rs758847157, ClinGen allele CA1900561.

ClinVar aggregate classification (germline): Uncertain significance (1 of 4 stars; one submission).

Conditions:
Intellectual developmental disorder, autosomal dominant 1. Also called: MBD5 Haploinsufficiency; Intellectual disability, autosomal dominant 1. Identifiers: Orphanet 228402, MedGen C1969562, MONDO:0007974, OMIM 156200.

Allele frequency attached by ClinVar (database versions not stated): ExAC 0.00002.
gnomAD v4.1: 6 of 1,613,576 alleles (0.00037%); highest among the groups gnomAD compares: East Asian, 0.0022%; no homozygotes.

Submission:

Labcorp Genetics (formerly Invitae), Labcorp
Classification: Uncertain significance for Intellectual developmental disorder, autosomal dominant 1. Last evaluated: 2023-06-09. Review status: criteria provided, single submitter. Criteria: Invitae Variant Classification Sherloc (09022015). Collection method: clinical testing. Allele origin: germline.
Comment: This sequence change replaces proline, which is neutral and non-polar, with serine, which is neutral and polar, at codon 1484 of the MBD5 protein (p.Pro1484Ser). This variant has not been reported in the literature in individuals affected with MBD5-related conditions. This variant is present in population databases (rs758847157, gnomAD 0.003%). In summary, the available evidence is currently insufficient to determine the role of this variant in disease. Therefore, it has been classified as a Variant of Uncertain Significance. Experimental studies and prediction algorithms are not available or were not evaluated, and the functional significance of this variant is currently unknown.